The following is an entry in ClinVar:

NM_080680.3(COL11A2):c.752A>T (p.Gln251Leu)

Gene: COL11A2 (collagen type XI alpha 2 chain; minus strand). Cytogenetic location: 6p21.32.
Variant type: single nucleotide variant.
Coding change: c.752A>T on transcript NM_080680.3 (MANE Select); coding-DNA position 752, A replaced by T.
Protein change: p.Gln251Leu; replaces glutamine 251 with leucine.
Molecular consequence: missense variant.
Genome position (GRCh38, 1-based): chr6:33,186,673, T>A on the plus strand (A>T on the coding strand, the complement: COL11A2 is on the minus strand). VCF-style: chr6-33186673-T-A. GRCh37 (hg19) VCF-style: chr6-33154450-T-A.
Other names: c.752A>T, p.Gln251Leu (NM_001163771.2, NM_080679.3, NM_080681.3); short protein forms Q251L.
Identifiers: ClinVar variation 228526 (VCV000228526.13), dbSNP rs201399429, ClinGen allele CA3751587.
Genomic context (GRCh38, chr6:33,186,673, plus strand): 5'-CCCAGCTCCCTCACCTGGCTCTGGGGTTCCTGATTTTGTGGCCTGTGAAGTCTTGATGGT[T>A]GCTGCTGTGGAGATCTCTGGGCTCTGTGAGGCTGTTGGTTTTGGGGTCTTTCCCTCTGGC-3'
Protein context (NP_542411.2, residues 241-261): PHRAQRSPQQ[Gln251Leu]PSRLHRPQNQ

ClinVar aggregate classification (germline): Conflicting classifications of pathogenicity. Review status: criteria provided, conflicting classifications (1 of 4 stars). 4 submissions from 3 submitters: Uncertain significance (3); Benign (1). Last evaluated 2024-03-08.

Conditions:
Fibrochondrogenesis 2 (FBCG2). Identifiers: Orphanet 2021, MedGen C3281128, MONDO:0013795, OMIM 614524.
Otospondylomegaepiphyseal dysplasia, autosomal recessive (OSMEDB). Also called: Insley-Astley syndrome; CHONDRODYSTROPHY WITH SENSORINEURAL DEAFNESS. Identifiers: Orphanet 1427, MedGen CN034493, MONDO:0044206, OMIM 215150.

Allele frequency attached by ClinVar (database versions not stated): gnomAD exomes below 0.00001 and 0.00004; gnomAD 0.00002 and 0.00003; TOPMed 0.00002; ExAC 0.00004; 1000 Genomes Project 30x 0.00016; 1000 Genomes Project 0.00020.
gnomAD v4.1: 11 of 1,614,094 alleles (0.00068%); highest among the groups gnomAD compares: East Asian, 0.022%; no homozygotes.

Submissions (4):

Labcorp Genetics (formerly Invitae), Labcorp
Classification: Benign. Last evaluated: 2024-03-08. Review status: criteria provided, single submitter. Criteria: Invitae Variant Classification Sherloc (09022015). Collection method: clinical testing. Allele origin: germline.

Illumina Laboratory Services, Illumina
Classification: Uncertain significance for Fibrochondrogenesis 2. Last evaluated: 2018-01-12. Review status: criteria provided, single submitter. Criteria: ICSL Variant Classification Criteria 13 December 2019. Collection method: clinical testing. Allele origin: germline.

Illumina Laboratory Services, Illumina
Classification: Uncertain significance for Otospondylomegaepiphyseal dysplasia, autosomal recessive. Last evaluated: 2018-01-12. Review status: criteria provided, single submitter. Criteria: ICSL Variant Classification Criteria 13 December 2019. Collection method: clinical testing. Allele origin: germline.

Laboratory for Molecular Medicine, Mass General Brigham Personalized Medicine
Classification: Uncertain significance. Last evaluated: 2015-11-05. Review status: criteria provided, single submitter. Criteria: LMM Criteria. Collection method: clinical testing. Allele origin: germline. Observed: 1 variant allele.
Comment: The p.Gln251Leu variant in COL11A2 has not been previously reported in individua ls with hearing loss, but has been identified in 5/8654 of East Asian chromosome s by the Exome Aggregation Consortium (ExAC; rs2 01399429). Computational prediction tools and conservation analysis do not provi de strong support for or against an impact to the protein. In summary, the clini cal significance of the p.Gln251Leu variant is uncertain.